The following is an entry in ClinVar:

ClinVar aggregate classification (germline): Conflicting classifications of pathogenicity. Review status: criteria provided, conflicting classifications (1 of 4 stars). 5 submissions from 5 submitters: Likely pathogenic (4); Uncertain significance (1). Last evaluated 2026-07-29.

Conditions:
Schaaf-Yang syndrome (SHFYNG). Also called: Arthrogryposis, distal, with hypopituitarism, intellectual disability, and facial anomalies; MAGEL2-related Prader-Willi-like syndrome. Identifiers: Orphanet 398069, MedGen C5575066, MONDO:0014243, OMIM 615547.
MAGEL2-related disorder. Also called: MAGEL2-related condition.

Allele frequency attached by ClinVar (database versions not stated): gnomAD 0.00001; TOPMed 0.00002.

Submissions (5):

GeneDx
Classification: Likely pathogenic. Last evaluated: 2026-07-29. Review status: criteria provided, single submitter. Criteria: GeneDx Variant Classification Process June 2021. Collection method: clinical testing. Allele origin: germline.
Comment: Nonsense variant predicted to result in protein truncation, as the last 484 amino acids are lost, and other loss-of-function variants have been reported downstream in HGMD; Observed in one individual with Schaaf-Yang syndrome in the published literature (PMID: 30302899); Not observed at significant frequency in large population cohorts (gnomAD); This variant is associated with the following publications: (PMID: 38958063, 30302899)

PreventionGenetics, part of Exact Sciences
Classification: Likely pathogenic for MAGEL2-related condition. Last evaluated: 2026-02-19. Review status: criteria provided, single submitter. Criteria: ACMG Guidelines, 2015. Collection method: clinical testing. Allele origin: germline.
Comment: The MAGEL2 c.2296C>T variant is predicted to result in premature protein termination (p.Arg766*). This variant has been reported in an individual with Schaaf-Yang syndrome (McCarthy et al. 2018. PubMed ID: 30302899). This variant is reported in 0.00089% of alleles in individuals of European (non-Finnish) descent in gnomAD. Nonsense variants in MAGEL2 are expected to be pathogenic. This variant is interpreted as likely pathogenic.

Genomic Medicine Center of Excellence, King Faisal Specialist Hospital and Research Centre
Classification: Likely pathogenic for Schaaf-Yang syndrome. Last evaluated: 2025-09-10. Review status: criteria provided, single submitter. Criteria: ACMG Guidelines, 2015. Collection method: clinical testing. Allele origin: germline.

Revvity Omics, Revvity
Classification: Likely pathogenic for Schaaf-Yang syndrome. Last evaluated: 2024-06-05. Review status: criteria provided, single submitter. Criteria: ACMG Guidelines, 2015. Collection method: clinical testing. Allele origin: germline.

Labcorp Genetics (formerly Invitae), Labcorp
Classification: Uncertain significance. Last evaluated: 2023-11-24. Review status: criteria provided, single submitter. Criteria: Invitae Variant Classification Sherloc (09022015). Collection method: clinical testing. Allele origin: germline.
Comment: This sequence change creates a premature translational stop signal (p.Arg766*) in the MAGEL2 gene. While this is not anticipated to result in nonsense mediated decay, it is expected to disrupt the last 484 amino acid(s) of the MAGEL2 protein. This variant is present in population databases (no rsID available, gnomAD 0.0009%). This premature translational stop signal has been observed in individual(s) with Schaaf-Yang Syndrome (PMID: 30302899). ClinVar contains an entry for this variant (Variation ID: 523820). Experimental studies and prediction algorithms are not available or were not evaluated, and the functional significance of this variant is currently unknown. In summary, the available evidence is currently insufficient to determine the role of this variant in disease. Therefore, it has been classified as a Variant of Uncertain Significance.

Literature cited by the submitters: PubMed 30302899 (cited by Labcorp Genetics (formerly Invitae), Labcorp).

NM_019066.5(MAGEL2):c.2296C>T (p.Arg766Ter)

Gene: MAGEL2 (MAGE family member L2; minus strand). Cytogenetic location: 15q11.2.
Variant type: single nucleotide variant.
Coding change: c.2296C>T on transcript NM_019066.5 (MANE Select); coding-DNA position 2296, C replaced by T.
Protein change: p.Arg766Ter; replaces arginine 766 with a stop codon.
Molecular consequence: nonsense.
Genome position (GRCh38, 1-based): chr15:23,645,447, G>A on the plus strand (C>T on the coding strand, the complement: MAGEL2 is on the minus strand). VCF-style: chr15-23645447-G-A. GRCh37 (hg19) VCF-style: chr15-23890594-G-A.
Other names: short protein forms R766*.
Identifiers: ClinVar variation 523820 (VCV000523820.12), dbSNP rs1249139977, ClinGen allele CA391332283.